The following is an entry in ClinVar:

NM_014159.7(SETD2):c.3167C>T (p.Ser1056Leu)

Gene: SETD2 (SET domain containing 2, histone lysine methyltransferase; minus strand). Cytogenetic location: 3p21.31.
Variant type: single nucleotide variant.
Coding change: c.3167C>T on transcript NM_014159.7 (MANE Select); coding-DNA position 3167, C replaced by T.
Protein change: p.Ser1056Leu; replaces serine 1056 with leucine.
Molecular consequence: missense variant. On other transcripts: non-coding transcript variant (1).
Genome position (GRCh38, 1-based): chr3:47,121,469, G>A on the plus strand (C>T on the coding strand, the complement: SETD2 is on the minus strand). VCF-style: chr3-47121469-G-A. GRCh37 (hg19) VCF-style: chr3-47162959-G-A.
Other names: c.3035C>T, p.Ser1012Leu (NM_001349370.3); short protein forms S1012L, S1056L.
Identifiers: ClinVar variation 2636998 (VCV002636998.6), dbSNP rs776300341, ClinGen allele CA2363430.

ClinVar aggregate classification (germline): Conflicting classifications of pathogenicity. Review status: criteria provided, conflicting classifications (1 of 4 stars). 4 submissions from 4 submitters: Uncertain significance (3); Likely benign (1). Last evaluated 2026-08-01.

Conditions:
SETD2-related disorder.
Inborn genetic diseases. Identifiers: MedGen C0950123, MeSH D030342.
Luscan-Lumish syndrome. Identifiers: Orphanet 597738, MedGen C4085873, MONDO:0014791, OMIM 616831.

Allele frequency attached by ClinVar (database versions not stated): ExAC 0.00001; gnomAD 0.00001; gnomAD exomes 0.00001.
gnomAD v4.1: 12 of 1,613,450 alleles (0.00074%); highest among the groups gnomAD compares: South Asian, 0.0022%; no homozygotes.

Submissions (4):

CeGaT Center for Human Genetics Tuebingen
Classification: Likely benign. Last evaluated: 2026-08-01. Review status: criteria provided, single submitter. Criteria: CeGaT Center For Human Genetics Tuebingen Variant Classification Criteria Version 2. Collection method: clinical testing. Allele origin: germline. Affected: yes. Observed: 1 variant allele.
Comment: SETD2: BS2

Ambry Genetics
Classification: Uncertain significance for Inborn genetic diseases. Last evaluated: 2024-01-08. Review status: criteria provided, single submitter. Criteria: Ambry Variant Classification Scheme 2023. Collection method: clinical testing. Allele origin: germline.

PreventionGenetics, part of Exact Sciences
Classification: Uncertain significance for SETD2-related condition. Last evaluated: 2023-08-19. Review status: criteria provided, single submitter. Criteria: ACMG Guidelines, 2015. Collection method: clinical testing. Allele origin: germline.
Comment: The SETD2 c.3167C>T variant is predicted to result in the amino acid substitution p.Ser1056Leu. To our knowledge, this variant has not been reported in the literature. This variant is reported in 0.0065% of alleles in individuals of South Asian descent in gnomAD. At this time, the clinical significance of this variant is uncertain due to the absence of conclusive functional and genetic evidence.

Labcorp Genetics (formerly Invitae), Labcorp
Classification: Uncertain significance for Luscan-Lumish syndrome. Last evaluated: 2023-04-10. Review status: criteria provided, single submitter. Criteria: Invitae Variant Classification Sherloc (09022015). Collection method: clinical testing. Allele origin: germline.
Comment: In summary, the available evidence is currently insufficient to determine the role of this variant in disease. Therefore, it has been classified as a Variant of Uncertain Significance. This sequence change replaces serine, which is neutral and polar, with leucine, which is neutral and non-polar, at codon 1056 of the SETD2 protein (p.Ser1056Leu). This variant is present in population databases (rs776300341, gnomAD 0.006%). This variant has not been reported in the literature in individuals affected with SETD2-related conditions. Advanced modeling of protein sequence and biophysical properties (such as structural, functional, and spatial information, amino acid conservation, physicochemical variation, residue mobility, and thermodynamic stability) performed at Invitae indicates that this missense variant is expected to disrupt SETD2 protein function.